The following is an entry in ClinVar:

NM_000138.5(FBN1):c.5672-1G>A

Gene: FBN1 (fibrillin 1; minus strand). Cytogenetic location: 15q21.1.
Variant type: single nucleotide variant.
Coding change: c.5672-1G>A on transcript NM_000138.5 (MANE Select); the canonical splice acceptor site of the intron before coding-DNA position 5672, G replaced by A.
Molecular consequence: splice acceptor variant.
Genome position (GRCh38, 1-based): chr15:48,446,823, C>T on the plus strand (G>A on the coding strand, the complement: FBN1 is on the minus strand). VCF-style: chr15-48446823-C-T. GRCh37 (hg19) VCF-style: chr15-48739020-C-T.
Other names: c.5672-1G>A (NM_001406716.1).
Identifiers: ClinVar variation 549295 (VCV000549295.26), dbSNP rs1555395849, ClinGen allele CA392341463.

ClinVar aggregate classification (germline): Pathogenic/Likely pathogenic. Review status: criteria provided, multiple submitters, no conflicts (2 of 4 stars). 3 submissions from 3 submitters: Pathogenic (1); Likely pathogenic (1). 1 of the submissions does not count toward it. Last evaluated 2021-03-01.

Conditions:
Marfan syndrome (MFS). Also called: Marfan syndrome type 1; Marfan syndrome, classic; Marfan's syndrome; FBN1-Related Marfan Syndrome; MARFAN SYNDROME, TYPE I. Identifiers: Orphanet 284963, Orphanet 558, MedGen C0024796, MONDO:0007947, OMIM 154700.
Familial thoracic aortic aneurysm and aortic dissection (TAAD). Also called: Thoracic aortic aneurysms and dissections. Identifiers: Orphanet 91387, MedGen C4707243, MONDO:0019625.

Submissions (3):

Centre of Medical Genetics, University of Antwerp
Classification: Likely pathogenic for Marfan syndrome. Last evaluated: 2021-03-01. Review status: criteria provided, single submitter. Criteria: Submitter's publication. Collection method: research. Allele origin: unknown. Affected: yes.
Comment: PM2, PS7, PP4

Labcorp Genetics (formerly Invitae), Labcorp
Classification: Pathogenic for Marfan syndrome; Familial thoracic aortic aneurysm and aortic dissection. Last evaluated: 2020-11-13. Review status: criteria provided, single submitter. Criteria: Invitae Variant Classification Sherloc (09022015). Collection method: clinical testing. Allele origin: germline.
Comment: This sequence change affects an acceptor splice site in intron 46 of the FBN1 gene. It is expected to disrupt RNA splicing. Variants that disrupt the donor or acceptor splice site typically lead to a loss of protein function (PMID: 16199547), and loss-of-function variants in FBN1 are known to be pathogenic (PMID: 17657824, 19293843). This variant is not present in population databases (ExAC no frequency). This variant has been observed in individual(s) with clinical features of Marfan syndrome (PMID: 21542060, Invitae). ClinVar contains an entry for this variant (Variation ID: 549295). For these reasons, this variant has been classified as Pathogenic.

Center for Medical Genetics Ghent, University of Ghent
Classification: Likely pathogenic for Marfan syndrome. Last evaluated: 2017-11-07. Review status: no assertion criteria provided. Collection method: clinical testing. Allele origin: germline. Affected: yes. Not counted in ClinVar's aggregate classification.

Literature cited by the submitters: PubMed 16199547 (cited by Labcorp Genetics (formerly Invitae), Labcorp); PubMed 17657824 (cited by Labcorp Genetics (formerly Invitae), Labcorp); PubMed 19293843 (cited by Labcorp Genetics (formerly Invitae), Labcorp); PubMed 21542060 (cited by Labcorp Genetics (formerly Invitae), Labcorp).